The following is an entry in ClinVar:

ClinVar aggregate classification (germline): Uncertain significance (1 of 4 stars; one submission).

Conditions:
Progressive sclerosing poliodystrophy (MTDPS4A). Also called: ALPERS PROGRESSIVE INFANTILE POLIODYSTROPHY; ALPERS DIFFUSE DEGENERATION OF CEREBRAL GRAY MATTER WITH HEPATIC CIRRHOSIS; Alpers-Huttenlocher Syndrome; NEURONAL DEGENERATION OF CHILDHOOD WITH LIVER DISEASE, PROGRESSIVE; Alpers Syndrome; Mitochondrial DNA Depletion Syndrome 4A. Identifiers: Orphanet 726, MedGen C0205710, MONDO:0008758, OMIM 203700.

Allele frequency attached by ClinVar (database versions not stated): TOPMed below 0.00001; gnomAD exomes 0.00001; ExAC 0.00002.

Submission:

Labcorp Genetics (formerly Invitae), Labcorp
Classification: Uncertain significance for Progressive sclerosing poliodystrophy. Last evaluated: 2022-02-28. Review status: criteria provided, single submitter. Criteria: Invitae Variant Classification Sherloc (09022015). Collection method: clinical testing. Allele origin: germline.
Comment: This sequence change replaces alanine, which is neutral and non-polar, with threonine, which is neutral and polar, at codon 1087 of the POLG protein (p.Ala1087Thr). This variant is present in population databases (rs752254929, gnomAD 0.006%). This variant has not been reported in the literature in individuals affected with POLG-related conditions. ClinVar contains an entry for this variant (Variation ID: 1019568). Algorithms developed to predict the effect of missense changes on protein structure and function output the following: SIFT: "Tolerated"; PolyPhen-2: "Benign"; Align-GVGD: "Class C0". The threonine amino acid residue is found in multiple mammalian species, which suggests that this missense change does not adversely affect protein function. In summary, the available evidence is currently insufficient to determine the role of this variant in disease. Therefore, it has been classified as a Variant of Uncertain Significance.

NM_002693.3(POLG):c.3259G>A (p.Ala1087Thr)

Gene: POLG (DNA polymerase gamma, catalytic subunit; minus strand). Cytogenetic location: 15q26.1.
Variant type: single nucleotide variant.
Coding change: c.3259G>A on transcript NM_002693.3 (MANE Select); coding-DNA position 3259, G replaced by A.
Protein change: p.Ala1087Thr; replaces alanine 1087 with threonine.
Molecular consequence: missense variant.
Genome position (GRCh38, 1-based): chr15:89,318,945, C>T on the plus strand (G>A on the coding strand, the complement: POLG is on the minus strand). VCF-style: chr15-89318945-C-T. GRCh37 (hg19) VCF-style: chr15-89862176-C-T.
Other names: c.3259G>A, p.Ala1087Thr (NM_001126131.2); short protein forms A1087T.
Identifiers: ClinVar variation 1019568 (VCV001019568.9), dbSNP rs752254929, ClinGen allele CA7724194.
Genomic context (GRCh38, chr15:89,318,945, plus strand): 5'-CCCTCCCTGGGGCCCCTCTGCCCATGCTCCAAAGGTAGCAAGATACCTCTTCCTGGACAG[C>T]CGAGGGCTCCAGGGCTCGGCTGATGCAGCAGCCCAGCACCGGGGTACGTGGTATGTCAGA-3'
Protein context (NP_002684.1, residues 1077-1097): CCISRALEPS[Ala1087Thr]VQEEFMTSRV